The following is an entry in ClinVar:

ClinVar aggregate classification (germline): Uncertain significance (1 of 4 stars; one submission).

Submission:

CeGaT Center for Human Genetics Tuebingen
Classification: Uncertain significance. Last evaluated: 2025-01-01. Review status: criteria provided, single submitter. Criteria: CeGaT Center For Human Genetics Tuebingen Variant Classification Criteria Version 2. Collection method: clinical testing. Allele origin: germline. Affected: yes. Observed: 1 variant allele.
Comment: WFS1: PM2, BP4

NM_006005.3(WFS1):c.854G>T (p.Arg285Leu)

Gene: WFS1 (wolframin ER transmembrane glycoprotein; plus strand). Cytogenetic location: 4p16.1.
Variant type: single nucleotide variant.
Coding change: c.854G>T on transcript NM_006005.3 (MANE Select); coding-DNA position 854, G replaced by T.
Protein change: p.Arg285Leu; replaces arginine 285 with leucine.
Molecular consequence: missense variant.
Genome position (GRCh38, 1-based): chr4:6,295,182, G>T. VCF-style: chr4-6295182-G-T. GRCh37 (hg19) VCF-style: chr4-6296909-G-T.
Other names: c.854G>T, p.Arg285Leu (NM_001145853.1); short protein forms R285L.
Identifiers: ClinVar variation 3772384 (VCV003772384.13).